The following is an entry in ClinVar:

ClinVar aggregate classification (germline): Likely benign. Review status: criteria provided, multiple submitters, no conflicts (2 of 4 stars). 2 submissions from 2 submitters: Likely benign (2). Last evaluated 2025-11-05.

Allele frequency attached by ClinVar (database versions not stated): gnomAD exomes below 0.00001 and 0.00002; ExAC 0.00002; TOPMed 0.00011; gnomAD 0.00015 and 0.00016; ESP Exome Variant Server 0.00016.
gnomAD v4.1: 32 of 1,551,220 alleles (0.0021%); highest among the groups gnomAD compares: African/African-American, 0.031%; 1 homozygote.

Submissions (2):

Labcorp Genetics (formerly Invitae), Labcorp
Classification: Likely benign. Last evaluated: 2025-11-05. Review status: criteria provided, single submitter. Criteria: Invitae Variant Classification Sherloc (09022015). Collection method: clinical testing. Allele origin: germline.

Women's Health and Genetics/Laboratory Corporation of America, LabCorp
Classification: Likely benign. Last evaluated: 2025-09-24. Review status: criteria provided, single submitter. Criteria: LabCorp Variant Classification Summary - May 2015. Collection method: clinical testing. Allele origin: germline.
Comment: Variant summary: PNPT1 c.1247+9T>C alters a nucleotide located at a position not widely known to affect splicing. Consensus agreement among computation tools predict no significant impact on normal splicing. However, these predictions have yet to be confirmed by functional studies. The variant allele was found at a frequency of 2e-05 in 197310 control chromosomes. The available data on variant occurrences in the general population are insufficient to allow any conclusion about variant significance. To our knowledge, no occurrence of c.1247+9T>C in individuals affected with PNPT1-related conditions and no experimental evidence demonstrating its impact on protein function have been reported. ClinVar contains an entry for this variant (Variation ID: 1657246). Based on the evidence outlined above, the variant was classified as likely benign.

NM_033109.5(PNPT1):c.1247+9T>C

Gene: PNPT1 (polyribonucleotide nucleotidyltransferase 1; minus strand). Cytogenetic location: 2p16.1.
Variant type: single nucleotide variant.
Coding change: c.1247+9T>C on transcript NM_033109.5 (MANE Select); 9 bases into the intron after coding-DNA position 1247, T replaced by C.
Molecular consequence: intron variant.
Genome position (GRCh38, 1-based): chr2:55,661,947, A>G on the plus strand (T>C on the coding strand, the complement: PNPT1 is on the minus strand). VCF-style: chr2-55661947-A-G. GRCh37 (hg19) VCF-style: chr2-55889082-A-G.
Identifiers: ClinVar variation 1657246 (VCV001657246.10), dbSNP rs372675961, ClinGen allele CA1668190.
Genomic context (GRCh38, chr2:55,661,947, plus strand): 5'-ACCACATAAGCTTTAATTATATAATAGAACATCATAAAACGTAACAAACATCTTAAAAAC[A>G]TAACTTACTTTATAGCTGTTATAACTTGATCTGACTTAATACCAGATTCTAATGAATCAA-3'